The following is an entry in ClinVar:

NM_006015.6(ARID1A):c.3348C>A (p.Asp1116Glu)

Gene: ARID1A (AT-rich interaction domain 1A; plus strand). Cytogenetic location: 1p36.11.
Variant type: single nucleotide variant.
Coding change: c.3348C>A on transcript NM_006015.6 (MANE Select); coding-DNA position 3348, C replaced by A.
Protein change: p.Asp1116Glu; replaces aspartic acid 1116 with glutamic acid.
Molecular consequence: missense variant.
Genome position (GRCh38, 1-based): chr1:26,771,268, C>A. VCF-style: chr1-26771268-C-A. GRCh37 (hg19) VCF-style: chr1-27097759-C-A.
Other names: c.3348C>A, p.Asp1116Glu (NM_139135.4); short protein forms D1116E.
Identifiers: ClinVar variation 2572260 (VCV002572260.4), dbSNP rs2124097980, ClinGen allele CA339165265.

ClinVar aggregate classification (germline): Uncertain significance. Review status: criteria provided, multiple submitters, no conflicts (2 of 4 stars). 2 submissions from 2 submitters: Uncertain significance (2). Last evaluated 2024-06-03.

Allele frequency attached by ClinVar (database versions not stated): gnomAD exomes below 0.00001.
gnomAD v4.1: 1 of 1,614,212 alleles (0.000062%); highest among the groups gnomAD compares: African/African-American, 0.0013%; no homozygotes.

Submissions (2):

Labcorp Genetics (formerly Invitae), Labcorp
Classification: Uncertain significance. Last evaluated: 2024-06-03. Review status: criteria provided, single submitter. Criteria: Invitae Variant Classification Sherloc (09022015). Collection method: clinical testing. Allele origin: germline.
Comment: This sequence change replaces aspartic acid, which is acidic and polar, with glutamic acid, which is acidic and polar, at codon 1116 of the ARID1A protein (p.Asp1116Glu). This variant is not present in population databases (gnomAD no frequency). This variant has not been reported in the literature in individuals affected with ARID1A-related conditions. ClinVar contains an entry for this variant (Variation ID: 2572260). Advanced modeling of protein sequence and biophysical properties (such as structural, functional, and spatial information, amino acid conservation, physicochemical variation, residue mobility, and thermodynamic stability) performed at Invitae indicates that this missense variant is not expected to disrupt ARID1A protein function with a negative predictive value of 80%. In summary, the available evidence is currently insufficient to determine the role of this variant in disease. Therefore, it has been classified as a Variant of Uncertain Significance.

Greenwood Genetic Center Diagnostic Laboratories, Greenwood Genetic Center
Classification: Uncertain significance. Last evaluated: 2023-06-06. Review status: criteria provided, single submitter. Criteria: ACMG Guidelines, 2015. Collection method: clinical testing. Allele origin: germline. Affected: yes.
Comment: PM2, PP2